The following is an entry in ClinVar:

NM_000263.4(NAGLU):c.332C>T (p.Pro111Leu)

Gene: NAGLU (N-acetyl-alpha-glucosaminidase; plus strand). Cytogenetic location: 17q21.2.
Variant type: single nucleotide variant.
Coding change: c.332C>T on transcript NM_000263.4 (MANE Select); coding-DNA position 332, C replaced by T.
Protein change: p.Pro111Leu; replaces proline 111 with leucine.
Molecular consequence: missense variant.
Genome position (GRCh38, 1-based): chr17:42,536,604, C>T. VCF-style: chr17-42536604-C-T. GRCh37 (hg19) VCF-style: chr17-40688622-C-T.
Other names: short protein forms P111L.
Identifiers: ClinVar variation 1501187 (VCV001501187.3), dbSNP rs1567890347, ClinGen allele CA399596147.

ClinVar aggregate classification (germline): Uncertain significance (1 of 4 stars; one submission).

Conditions:
Mucopolysaccharidosis, MPS-III-B (MPS3B). Also called: N-ACETYL-ALPHA-D-GLUCOSAMINIDASE DEFICIENCY; NAGLU DEFICIENCY; SANFILIPPO SYNDROME B; MPS III B; MPS IIIB (Sanfilippo Syndrome Type B); MUCOPOLYSACCHARIDOSIS, TYPE IIIB. Identifiers: Orphanet 79270, MedGen C0086648, MONDO:0009656, OMIM 252920.
Charcot-Marie-Tooth disease axonal type 2V. Also called: CHARCOT-MARIE-TOOTH NEUROPATHY, TYPE 2V; CHARCOT-MARIE-TOOTH DISEASE, AXONAL, AUTOSOMAL DOMINANT, TYPE 2V. Identifiers: Orphanet 447964, MedGen C5569050, MONDO:0014665, OMIM 616491.

Submission:

Labcorp Genetics (formerly Invitae), Labcorp
Classification: Uncertain significance for Charcot-Marie-Tooth disease axonal type 2V; Mucopolysaccharidosis, MPS-III-B. Last evaluated: 2022-07-18. Review status: criteria provided, single submitter. Criteria: Invitae Variant Classification Sherloc (09022015). Collection method: clinical testing. Allele origin: germline.
Comment: This sequence change replaces proline, which is neutral and non-polar, with leucine, which is neutral and non-polar, at codon 111 of the NAGLU protein (p.Pro111Leu). This variant is not present in population databases (gnomAD no frequency). This variant has not been reported in the literature in individuals affected with NAGLU-related conditions. ClinVar contains an entry for this variant (Variation ID: 1501187). Advanced modeling of protein sequence and biophysical properties (such as structural, functional, and spatial information, amino acid conservation, physicochemical variation, residue mobility, and thermodynamic stability) performed at Invitae indicates that this missense variant is expected to disrupt NAGLU protein function. In summary, the available evidence is currently insufficient to determine the role of this variant in disease. Therefore, it has been classified as a Variant of Uncertain Significance.